The following is an entry in ClinVar:

NM_001278116.2(L1CAM):c.3457+5C>T

Gene: L1CAM (L1 cell adhesion molecule; minus strand). Cytogenetic location: Xq28.
Variant type: single nucleotide variant.
Coding change: c.3457+5C>T on transcript NM_001278116.2 (MANE Select); 5 bases into the intron after coding-DNA position 3457, C replaced by T.
Molecular consequence: intron variant.
Genome position (GRCh38, 1-based): chrX:153,863,878, G>A on the plus strand (C>T on the coding strand, the complement: L1CAM is on the minus strand). VCF-style: chrX-153863878-G-A. GRCh37 (hg19) VCF-style: chrX-153129333-G-A.
Other names: c.3442+5C>T (NM_001143963.2); c.3457+5C>T (NM_024003.3, NM_000425.5).
Identifiers: ClinVar variation 3018800 (VCV003018800.3), dbSNP rs199577902, ClinGen allele CA2466504849.

ClinVar aggregate classification (germline): Uncertain significance (1 of 4 stars; one submission).

Conditions:
Spastic paraplegia. Identifiers: MedGen C0037772, HP:0001258.

Submission:

Labcorp Genetics (formerly Invitae), Labcorp
Classification: Uncertain significance for Spastic paraplegia. Last evaluated: 2023-09-20. Review status: criteria provided, single submitter. Criteria: Invitae Variant Classification Sherloc (09022015). Collection method: clinical testing. Allele origin: germline.
Comment: In summary, the available evidence is currently insufficient to determine the role of this variant in disease. Therefore, it has been classified as a Variant of Uncertain Significance. Variants that disrupt the consensus splice site are a relatively common cause of aberrant splicing (PMID: 17576681, 9536098). Algorithms developed to predict the effect of sequence changes on RNA splicing suggest that this variant is not likely to affect RNA splicing. This variant has not been reported in the literature in individuals affected with L1CAM-related conditions. This variant is not present in population databases (gnomAD no frequency). This sequence change falls in intron 25 of the L1CAM gene. It does not directly change the encoded amino acid sequence of the L1CAM protein. It affects a nucleotide within the consensus splice site.

Literature cited by the submitters: PubMed 17576681; PubMed 9536098.